The following is an entry in ClinVar:

ClinVar aggregate classification (germline): Likely benign. Review status: criteria provided, single submitter (1 of 4 stars). 3 submissions from 3 submitters: Likely benign (1). 2 of the submissions do not count toward it. Last evaluated 2026-01-20.

Conditions:
MESP2-related disorder. Also called: MESP2-related condition.
Spondylocostal dysostosis 2, autosomal recessive (SCDO2). Also called: MESP2-Related Spondylocostal Dysostosis, Autosomal Recessive; Spondylocostal dysostosis type 2. Identifiers: Orphanet 2311, MedGen C1837549, MONDO:0012097, OMIM 608681.

Allele frequency attached by ClinVar (database versions not stated): ExAC 0.00018; 1000 Genomes Project 30x 0.00031; gnomAD exomes 0.00017; 1000 Genomes Project 0.00040; gnomAD 0.00064 and 0.00069; TOPMed 0.00077; ESP Exome Variant Server 0.00092.
gnomAD v4.1: 193 of 1,612,526 alleles (0.012%); highest among the groups gnomAD compares: African/African-American, 0.23%; no homozygotes.

Submissions (3):

Labcorp Genetics (formerly Invitae), Labcorp
Classification: Likely benign. Last evaluated: 2026-01-20. Review status: criteria provided, single submitter. Criteria: Invitae Variant Classification Sherloc (09022015). Collection method: clinical testing. Allele origin: germline.

PreventionGenetics, part of Exact Sciences
Classification: Likely benign for MESP2-related condition. Last evaluated: 2023-02-03. Review status: no assertion criteria provided. Collection method: clinical testing. Allele origin: germline. Not counted in ClinVar's aggregate classification.
Comment: This variant is classified as likely benign based on ACMG/AMP sequence variant interpretation guidelines (Richards et al. 2015 PMID: 25741868, with internal and published modifications).

Natera, Inc.
Classification: Likely benign for Spondylocostal dysostosis type 2. Last evaluated: 2020-09-28. Review status: no assertion criteria provided. Collection method: clinical testing. Allele origin: germline. Not counted in ClinVar's aggregate classification.

NM_001039958.2(MESP2):c.859C>T (p.Pro287Ser)

Gene: MESP2 (mesoderm posterior bHLH transcription factor 2; plus strand). Cytogenetic location: 15q26.1.
Variant type: single nucleotide variant.
Coding change: c.859C>T on transcript NM_001039958.2 (MANE Select); coding-DNA position 859, C replaced by T.
Protein change: p.Pro287Ser; replaces proline 287 with serine.
Molecular consequence: missense variant.
Genome position (GRCh38, 1-based): chr15:89,777,216, C>T. VCF-style: chr15-89777216-C-T. GRCh37 (hg19) VCF-style: chr15-90320447-C-T.
Other names: short protein forms P287S.
Identifiers: ClinVar variation 730015 (VCV000730015.14), dbSNP rs201904631, ClinGen allele CA7730523.